The following is an entry in ClinVar:

ClinVar aggregate classification (germline): Conflicting classifications of pathogenicity. Review status: criteria provided, conflicting classifications (1 of 4 stars). 4 submissions from 4 submitters: Uncertain significance (1); Benign (1); Likely benign (2). Last evaluated 2026-05-01.

Allele frequency attached by ClinVar (database versions not stated): 1000 Genomes Project 30x 0.00125; 1000 Genomes Project 0.00140; ExAC 0.00222; gnomAD exomes 0.00239 and 0.00413; gnomAD 0.00260 and 0.00265; TOPMed 0.00280; ESP Exome Variant Server 0.00303.
gnomAD v4.1: 6,546 of 1,614,196 alleles (0.41%); highest among the groups gnomAD compares: Non-Finnish European, 0.48%; 22 homozygotes.

Submissions (12):

CeGaT Center for Human Genetics Tuebingen
Classification: Likely benign. Last evaluated: 2026-05-01. Review status: criteria provided, single submitter. Criteria: CeGaT Center For Human Genetics Tuebingen Variant Classification Criteria Version 2. Collection method: clinical testing. Allele origin: germline. Affected: yes. Observed: 14 variant alleles.
Comment: MYO5A: BS2

Labcorp Genetics (formerly Invitae), Labcorp
Classification: Benign. Last evaluated: 2025-12-14. Review status: criteria provided, single submitter. Criteria: Invitae Variant Classification Sherloc (09022015). Collection method: clinical testing. Allele origin: germline.

Blueprint Genetics
Classification: Likely benign. Last evaluated: 2024-11-12. Review status: criteria provided, single submitter. Criteria: ACMG Guidelines, 2015. Collection method: clinical testing. Allele origin: germline.

Center for Pediatric Genomic Medicine, Children's Mercy Hospital and Clinics
Classification: Uncertain significance. Last evaluated: 2016-01-29. Review status: criteria provided, single submitter. Criteria: ACMG Guidelines, 2015. Collection method: clinical testing. Allele origin: germline.
ClinVar note: Converted during submission from Uncertain Significance to Uncertain significance.

Dr. Peter K. Rogan Lab, Western University
No classification provided (evidence only). Condition: Melanoma. Review status: no classification provided. Collection method: in vitro. Allele origin: not applicable. Functional consequence: skipped exon. Not counted in ClinVar's aggregate classification.

Dr. Peter K. Rogan Lab, Western University
No classification provided (evidence only). Condition: Melanoma. Review status: no classification provided. Collection method: in vitro. Allele origin: not applicable. Functional consequence: retained intron. Not counted in ClinVar's aggregate classification.

Dr. Peter K. Rogan Lab, Western University
No classification provided (evidence only). Condition: Acute myeloid leukemia. Review status: no classification provided. Collection method: in vitro. Allele origin: not applicable. Functional consequence: retained intron. Not counted in ClinVar's aggregate classification.

Dr. Peter K. Rogan Lab, Western University
No classification provided (evidence only). Condition: Acute myeloid leukemia. Review status: no classification provided. Collection method: in vitro. Allele origin: not applicable. Functional consequence: retained intron. Not counted in ClinVar's aggregate classification.

Dr. Peter K. Rogan Lab, Western University
No classification provided (evidence only). Condition: Colorectal cancer. Review status: no classification provided. Collection method: in vitro. Allele origin: not applicable. Functional consequence: retained intron. Not counted in ClinVar's aggregate classification.

Dr. Peter K. Rogan Lab, Western University
No classification provided (evidence only). Condition: Thyroid cancer, nonmedullary, 1. Review status: no classification provided. Collection method: in vitro. Allele origin: not applicable. Functional consequence: retained intron. Not counted in ClinVar's aggregate classification.

Dr. Peter K. Rogan Lab, Western University
No classification provided (evidence only). Condition: Cervical cancer. Review status: no classification provided. Collection method: in vitro. Allele origin: not applicable. Functional consequence: retained intron. Not counted in ClinVar's aggregate classification.

Dr. Peter K. Rogan Lab, Western University
No classification provided (evidence only). Condition: Hepatocellular carcinoma. Review status: no classification provided. Collection method: in vitro. Allele origin: not applicable. Functional consequence: retained intron. Not counted in ClinVar's aggregate classification.

NM_001382347.1(MYO5A):c.5140G>A (p.Val1714Ile)

Gene: MYO5A (myosin VA; minus strand). Cytogenetic location: 15q21.2.
Variant type: single nucleotide variant.
Coding change: c.5140G>A on transcript NM_001382347.1 (MANE Select); coding-DNA position 5140, G replaced by A.
Protein change: p.Val1714Ile; replaces valine 1714 with isoleucine.
Molecular consequence: missense variant.
Genome position (GRCh38, 1-based): chr15:52,319,154, C>T on the plus strand (G>A on the coding strand, the complement: MYO5A is on the minus strand). VCF-style: chr15-52319154-C-T. GRCh37 (hg19) VCF-style: chr15-52611351-C-T.
Other names: c.5065G>A, p.Val1689Ile (NM_000259.3); c.4984G>A, p.Val1662Ile (NM_001142495.2); c.5212G>A, p.Val1738Ile (NM_001382348.1); c.5137G>A, p.Val1713Ile (NM_001382349.1); short protein forms V1689I, V1662I, V1713I, V1714I, V1738I.
Identifiers: ClinVar variation 235746 (VCV000235746.42), dbSNP rs143298463, ClinGen allele CA7567943.